The following is an entry in ClinVar:

NM_001127511.3(APC):c.165+26367A>G

Gene: APC (APC regulator of Wnt signaling pathway; plus strand). Cytogenetic location: 5q22.2.
Variant type: single nucleotide variant.
Coding change: c.165+26367A>G on transcript NM_001127511.3; 26367 bases into the intron after coding-DNA position 165, A replaced by G.
Molecular consequence: intron variant.
Genome position (GRCh38, 1-based): chr5:112,734,249, A>G. VCF-style: chr5-112734249-A-G. GRCh37 (hg19) VCF-style: chr5-112069946-A-G.
Other names: c.-1053-20624A>G (NM_001407470.1, NM_001407472.1); c.-18-20624A>G (NM_001407447.1, NM_001354895.2, NM_001407456.1 and 7 more transcripts); c.165+26367A>G (NM_001407446.1, NM_001354897.2, NM_001354902.2); c.-43+26600A>G (NM_001407453.1).
Identifiers: ClinVar variation 82313 (VCV000082313.4), dbSNP rs10515446, ClinGen allele CA023586.
Genomic context (GRCh38, chr5:112,734,249, plus strand): 5'-TCCCTGAAAAAATGGGAGATGGTTAGGTGGATGGATAGACAGACAGACATATAGATAAAG[A>G]TAGACACGTGGGTCAAGATCTCCCACTTAGTTTATACATCACTGAAAATCTCATTGCCAT-3'

ClinVar aggregate classification (germline): other (0 of 4 stars; one submission).

Conditions:
Familial colorectal cancer. Identifiers: MedGen CN280943, MONDO:0023113. Disease mechanism: loss of function.

Allele frequency attached by ClinVar (database versions not stated): gnomAD 0.05985 and 0.06077; 1000 Genomes Project 0.09305; TOPMed 0.06194; 1000 Genomes Project 30x 0.08994.
gnomAD v4.1: 9,216 of 152,176 alleles (6.1%); highest among the groups gnomAD compares: East Asian, 13%; 398 homozygotes.

Submission:

Systems Biology Platform Zhejiang California International NanoSystems Institute
Classification: other for Familial colorectal cancer. Review status: no assertion criteria provided. Collection method: not provided. Allele origin: unknown.
ClinVar note: Converted during submission from cancer to other.